The following is an entry in ClinVar:

NM_000090.4(COL3A1):c.76G>C (p.Glu26Gln)

Gene: COL3A1 (collagen type III alpha 1 chain; plus strand). Cytogenetic location: 2q32.2.
Variant type: single nucleotide variant.
Coding change: c.76G>C on transcript NM_000090.4 (MANE Select); coding-DNA position 76, G replaced by C.
Protein change: p.Glu26Gln; replaces glutamic acid 26 with glutamine.
Molecular consequence: missense variant.
Genome position (GRCh38, 1-based): chr2:188,974,565, G>C. VCF-style: chr2-188974565-G-C. GRCh37 (hg19) VCF-style: chr2-189839291-G-C.
Other names: short protein forms E26Q.
Identifiers: ClinVar variation 918135 (VCV000918135.1), dbSNP rs1687767912, ClinGen allele CA349845497.

ClinVar aggregate classification (germline): Uncertain significance (1 of 4 stars; one submission).

Submission:

Women's Health and Genetics/Laboratory Corporation of America, LabCorp
Classification: Uncertain significance. Last evaluated: 2020-03-16. Review status: criteria provided, single submitter. Criteria: LabCorp Variant Classification Summary - May 2015. Collection method: clinical testing. Allele origin: germline.
Comment: Variant summary: COL3A1 c.76G>C (p.Glu26Gln) results in a conservative amino acid change in the encoded protein sequence. Five of five in-silico tools predict a benign effect of the variant on protein function. The variant was absent in 251398 control chromosomes. The available data on variant occurrences in the general population are insufficient to allow any conclusion about variant significance. To our knowledge, no occurrence of c.76G>C in individuals affected with Aortopathy and no experimental evidence demonstrating its impact on protein function have been reported. No clinical diagnostic laboratories have submitted clinical-significance assessments for this variant to ClinVar after 2014. Based on the evidence outlined above, the variant was classified as uncertain significance.